The following is an entry in ClinVar:

ClinVar aggregate classification (germline): Benign/Likely benign. Review status: criteria provided, multiple submitters, no conflicts (2 of 4 stars). 4 submissions from 4 submitters: Benign (1); Likely benign (3). Last evaluated 2025-04-28.

Conditions:
Hereditary cancer-predisposing syndrome. Also called: Neoplastic Syndromes, Hereditary; Tumor predisposition; Hereditary Cancer Syndrome; Hereditary neoplastic syndrome. Identifiers: Orphanet 140162, MedGen C0027672, MeSH D009386, MONDO:0015356.
Familial cancer of breast. Also called: BREAST CANCER, FAMILIAL; Hereditary breast cancer; hereditary breast carcinoma. Identifiers: Orphanet 227535, MedGen C0346153, MONDO:0016419, OMIM 114480. Disease mechanism: loss of function.

Allele frequency attached by ClinVar (database versions not stated): gnomAD exomes below 0.00001; TOPMed below 0.00001.
gnomAD v4.1: 3 of 1,611,926 alleles (0.00019%); highest among the groups gnomAD compares: Non-Finnish European, 0.00025%; no homozygotes.

Submissions (4):

Labcorp Genetics (formerly Invitae), Labcorp
Classification: Likely benign for Familial cancer of breast. Last evaluated: 2025-04-28. Review status: criteria provided, single submitter. Criteria: Invitae Variant Classification Sherloc (09022015). Collection method: clinical testing. Allele origin: germline.

Myriad Genetics, Inc.
Classification: Benign for Familial cancer of breast. Last evaluated: 2024-07-19. Review status: criteria provided, single submitter. Criteria: Myriad Autosomal Dominant, Autosomal Recessive and X-Linked Classification Criteria (2023). Collection method: clinical testing. Allele origin: unknown.
Comment: This variant is considered benign. This variant is a silent/synonymous amino acid change and it is not expected to impact splicing.

Ambry Genetics
Classification: Likely benign for Hereditary cancer-predisposing syndrome. Last evaluated: 2020-04-29. Review status: criteria provided, single submitter. Criteria: Ambry Variant Classification Scheme 2023. Collection method: clinical testing. Allele origin: germline.

Color Diagnostics, LLC DBA Color Health
Classification: Likely benign for Hereditary cancer-predisposing syndrome. Last evaluated: 2018-12-03. Review status: criteria provided, single submitter. Criteria: ACMG Guidelines, 2015. Collection method: clinical testing. Allele origin: germline.

NM_000465.4(BARD1):c.264C>T (p.Thr88=)

Gene: BARD1 (BRCA1 associated RING domain 1; minus strand). Cytogenetic location: 2q35.
Variant type: single nucleotide variant.
Coding change: c.264C>T on transcript NM_000465.4 (MANE Select); coding-DNA position 264, C replaced by T.
Protein change: p.Thr88=; no amino-acid change (threonine 88 retained).
Molecular consequence: synonymous variant. On other transcripts: non-coding transcript variant (1), intron variant (2).
Genome position (GRCh38, 1-based): chr2:214,792,397, G>A on the plus strand (C>T on the coding strand, the complement: BARD1 is on the minus strand). VCF-style: chr2-214792397-G-A. GRCh37 (hg19) VCF-style: chr2-215657121-G-A.
Other names: c.207C>T, p.Thr69= (NM_001282543.2); c.264C>T, p.Thr88= (NM_001282549.2); c.158+17015C>T (NM_001282548.2); c.215+4664C>T (NM_001282545.2); c.264C>T (NM_000465.2).
Identifiers: ClinVar variation 919592 (VCV000919592.15), dbSNP rs1695564144, ClinGen allele CA431142088.